The following is an entry in ClinVar:

ClinVar aggregate classification (germline): Uncertain significance (1 of 4 stars; one submission).

gnomAD v4.1: 1 of 1,609,098 alleles (0.000062%); highest among the groups gnomAD compares: African/African-American, 0.0013%; no homozygotes.

Submission:

Labcorp Genetics (formerly Invitae), Labcorp
Classification: Uncertain significance. Last evaluated: 2024-06-24. Review status: criteria provided, single submitter. Criteria: Invitae Variant Classification Sherloc (09022015). Collection method: clinical testing. Allele origin: germline.
Comment: This sequence change replaces alanine, which is neutral and non-polar, with serine, which is neutral and polar, at codon 5 of the NLRP1 protein (p.Ala5Ser). This variant is not present in population databases (gnomAD no frequency). This variant has not been reported in the literature in individuals affected with NLRP1-related conditions. An algorithm developed to predict the effect of missense changes on protein structure and function (PolyPhen-2) suggests that this variant is likely to be tolerated. In summary, the available evidence is currently insufficient to determine the role of this variant in disease. Therefore, it has been classified as a Variant of Uncertain Significance.

NM_033004.4(NLRP1):c.13G>T (p.Ala5Ser)

Genes: NLRP1 (NLR family pyrin domain containing 1; minus strand), LOC126862475 (CDK7 strongly-dependent group 2 enhancer GRCh37_chr17:5487167-5488366; plus strand). Cytogenetic location: 17p13.2.
Variant type: single nucleotide variant.
Coding change: c.13G>T on transcript NM_033004.4 (MANE Select); coding-DNA position 13, G replaced by T.
Protein change: p.Ala5Ser; replaces alanine 5 with serine.
Molecular consequence: missense variant.
Genome position (GRCh38, 1-based): chr17:5,583,945, C>A on the plus strand (G>T on the coding strand, the complement: NLRP1 is on the minus strand). VCF-style: chr17-5583945-C-A. GRCh37 (hg19) VCF-style: chr17-5487265-C-A.
Other names: c.13G>T, p.Ala5Ser (NM_001033053.3, NM_014922.5, NM_033006.4 and 1 more transcripts); short protein forms A5S.
Identifiers: ClinVar variation 3618191 (VCV003618191.2).